The following is an entry in ClinVar:

ClinVar aggregate classification (germline): Uncertain significance (1 of 4 stars; one submission).

Conditions:
Multiple congenital anomalies-hypotonia-seizures syndrome 1 (MCAHS1). Also called: GLYCOSYLPHOSPHATIDYLINOSITOL BIOSYNTHESIS DEFECT 3; PIGN-CDG; Congenital disorder of glycosylation due to PIGN deficiency. Identifiers: Orphanet 280633, MedGen C3279775, MONDO:0013563, OMIM 614080.

Submission:

Labcorp Genetics (formerly Invitae), Labcorp
Classification: Uncertain significance for Multiple congenital anomalies-hypotonia-seizures syndrome 1. Last evaluated: 2023-02-03. Review status: criteria provided, single submitter. Criteria: Invitae Variant Classification Sherloc (09022015). Collection method: clinical testing. Allele origin: germline.
Comment: This sequence change replaces valine, which is neutral and non-polar, with phenylalanine, which is neutral and non-polar, at codon 791 of the PIGN protein (p.Val791Phe). This variant is not present in population databases (gnomAD no frequency). This variant has not been reported in the literature in individuals affected with PIGN-related conditions. An algorithm developed to predict the effect of missense changes on protein structure and function (PolyPhen-2) suggests that this variant is likely to be disruptive. Algorithms developed to predict the effect of sequence changes on RNA splicing suggest that this variant may disrupt the consensus splice site. In summary, the available evidence is currently insufficient to determine the role of this variant in disease. Therefore, it has been classified as a Variant of Uncertain Significance.

NM_176787.5(PIGN):c.2371G>T (p.Val791Phe)

Gene: PIGN (phosphatidylinositol glycan anchor biosynthesis class N; minus strand). Cytogenetic location: 18q21.33.
Variant type: single nucleotide variant.
Coding change: c.2371G>T on transcript NM_176787.5 (MANE Select); coding-DNA position 2371, G replaced by T.
Protein change: p.Val791Phe; replaces valine 791 with phenylalanine.
Molecular consequence: missense variant.
Genome position (GRCh38, 1-based): chr18:62,085,264, C>A on the plus strand (G>T on the coding strand, the complement: PIGN is on the minus strand). VCF-style: chr18-62085264-C-A. GRCh37 (hg19) VCF-style: chr18-59752497-C-A.
Other names: c.2371G>T, p.Val791Phe (NM_012327.6); short protein forms V791F.
Identifiers: ClinVar variation 2004122 (VCV002004122.4), dbSNP rs1204147408, ClinGen allele CA402601706.